The following is an entry in ClinVar:

NM_005228.5(EGFR):c.3547C>A (p.Pro1183Thr)

Gene: EGFR (epidermal growth factor receptor; plus strand). Cytogenetic location: 7p11.2.
Variant type: single nucleotide variant.
Coding change: c.3547C>A on transcript NM_005228.5 (MANE Select); coding-DNA position 3547, C replaced by A.
Protein change: p.Pro1183Thr; replaces proline 1183 with threonine.
Molecular consequence: missense variant.
Genome position (GRCh38, 1-based): chr7:55,205,531, C>A. VCF-style: chr7-55205531-C-A. GRCh37 (hg19) VCF-style: chr7-55273224-C-A.
Other names: c.3412C>A, p.Pro1138Thr (NM_001346899.2); c.3388C>A, p.Pro1130Thr (NM_001346900.2); c.2746C>A, p.Pro916Thr (NM_001346941.2); short protein forms P1183T, P1138T, P916T, P1130T.
Identifiers: ClinVar variation 1439725 (VCV001439725.10), dbSNP rs199661469, ClinGen allele CA4266419.

ClinVar aggregate classification (germline): Conflicting classifications of pathogenicity. Review status: criteria provided, conflicting classifications (1 of 4 stars). 2 submissions from 2 submitters: Uncertain significance (1); Likely benign (1). Last evaluated 2025-08-03.

Conditions:
Hereditary cancer-predisposing syndrome. Also called: Neoplastic Syndromes, Hereditary; Hereditary Cancer Syndrome; Hereditary neoplastic syndrome; Tumor predisposition. Identifiers: Orphanet 140162, MedGen C0027672, MeSH D009386, MONDO:0015356.
EGFR-related lung cancer (EGFR). Identifiers: MedGen CN130014.

Allele frequency attached by ClinVar (database versions not stated): TOPMed below 0.00001; gnomAD exomes 0.00002 and 0.00003.
gnomAD v4.1: 31 of 1,614,084 alleles (0.0019%); highest among the groups gnomAD compares: South Asian, 0.033%; 2 homozygotes.

Submissions (2):

Labcorp Genetics (formerly Invitae), Labcorp
Classification: Uncertain significance for EGFR-related lung cancer. Last evaluated: 2025-08-03. Review status: criteria provided, single submitter. Criteria: Invitae Variant Classification Sherloc (09022015). Collection method: clinical testing. Allele origin: germline.
Comment: This sequence change replaces proline, which is neutral and non-polar, with threonine, which is neutral and polar, at codon 1183 of the EGFR protein (p.Pro1183Thr). This variant is present in population databases (rs199661469, gnomAD 0.02%). This variant has not been reported in the literature in individuals affected with EGFR-related conditions. ClinVar contains an entry for this variant (Variation ID: 1439725). An algorithm developed to predict the effect of missense changes on protein structure and function (PolyPhen-2) suggests that this variant is likely to be tolerated. In summary, the available evidence is currently insufficient to determine the role of this variant in disease. Therefore, it has been classified as a Variant of Uncertain Significance.

Ambry Genetics
Classification: Likely benign for Hereditary cancer-predisposing syndrome. Last evaluated: 2025-01-23. Review status: criteria provided, single submitter. Criteria: Ambry Variant Classification Scheme 2023. Collection method: clinical testing. Allele origin: germline.